The following is an entry in ClinVar:

NM_024675.4(PALB2):c.2982dup (p.Ala995fs)

Gene: PALB2 (partner and localizer of BRCA2; minus strand). Cytogenetic location: 16p12.2.
Variant type: Duplication.
Coding change: c.2982dup on transcript NM_024675.4 (MANE Select); coding-DNA position 2982, one base duplicated (T; older notation c.2982dupT).
Protein change: p.Ala995fs; shifts the reading frame from alanine 995.
Molecular consequence: frameshift variant.
Genome position (GRCh38, 1-based): chr16:23,622,983, A duplicated on the plus strand (T on the coding strand, the reverse complement: PALB2 is on the minus strand); the first of 3 consecutive A bases (chr16:23,622,983-23,622,985); duplicating any one gives the same sequence. VCF-style (leftmost placement, unchanged base first): chr16-23622982-C-CA. GRCh37 (hg19) VCF-style: chr16-23634303-C-CA.
Other names: NM_024675.3:c.2982dup; c.2982dupT (NM_024675.3); short protein forms A995fs.
Identifiers: ClinVar variation 126697 (VCV000126697.31), dbSNP rs180177127, ClinGen allele CA269588.

ClinVar aggregate classification (germline): Pathogenic/Likely pathogenic. Review status: criteria provided, multiple submitters, no conflicts (2 of 4 stars). 14 submissions from 14 submitters: Pathogenic (11); Likely pathogenic (1). 2 of the submissions do not count toward it. Last evaluated 2026-05-07.

Conditions:
Familial cancer of breast. Also called: hereditary breast carcinoma; Hereditary breast cancer; BREAST CANCER, FAMILIAL. Identifiers: Orphanet 227535, MedGen C0346153, MONDO:0016419, OMIM 114480. Disease mechanism: loss of function.
Breast-ovarian cancer, familial, susceptibility to, 5 (BROVCA5). Identifiers: MedGen C5830615, MONDO:0957530, OMIM 620442.
Inherited breast cancer and ovarian cancer.
PALB2-related disorder. Also called: PALB2-related disorders; PALB2-related condition.
Hereditary cancer-predisposing syndrome. Also called: Tumor predisposition; Hereditary neoplastic syndrome; Neoplastic Syndromes, Hereditary; Hereditary Cancer Syndrome. Identifiers: Orphanet 140162, MedGen C0027672, MeSH D009386, MONDO:0015356.

Submissions (14):

Genetics Laboratory, Great Ormond Street Hospital NHS Foundation Trust, North Thames Genomic Laboratory Hub
Classification: Pathogenic for Inherited breast cancer and ovarian cancer. Last evaluated: 2026-05-07. Review status: criteria provided, single submitter. Criteria: CanVIG PALB2 Gene Specific V1.2. Collection method: clinical testing. Allele origin: germline. Affected: yes.
Comment: PM2_supporting, PVS1_very-strong, PM5_supporting

Color Diagnostics, LLC DBA Color Health
Classification: Pathogenic for Hereditary cancer-predisposing syndrome. Last evaluated: 2025-03-31. Review status: criteria provided, single submitter. Criteria: ACMG Guidelines, 2015. Collection method: clinical testing. Allele origin: germline.
Comment: This variant inserts 1 nucleotide in exon 9 of the PALB2 gene, creating a frameshift and premature translation stop signal. This variant is expected to result in an absent or non-functional protein product. This variant has been reported in individuals affected with breast cancer (PMID: 17200668, 21932393, 23423317, 23448497, 25099575, 26283626, 26534844, 33471991, 34113003) and pancreatic cancer (PMID: 30883245). This variant has not been identified in the general population by the Genome Aggregation Database (gnomAD). Loss of PALB2 function is a known mechanism of disease. Based on the available evidence, this variant is classified as Pathogenic.

Institute of Human Genetics, University of Leipzig Medical Center
Classification: Pathogenic for Breast-ovarian cancer, familial, susceptibility to, 5. Last evaluated: 2025-03-04. Review status: criteria provided, single submitter. Criteria: ACMG Guidelines, 2015. Collection method: clinical testing. Allele origin: unknown. Inheritance: Autosomal dominant inheritance. Affected: yes.
Comment: Criteria applied: PVS1,PM2_SUP,PM5_SUP

Molecular Pathology, Peter Maccallum Cancer Centre
Classification: Pathogenic for Familial cancer of breast. Last evaluated: 2025-02-28. Review status: criteria provided, single submitter. Criteria: ACMG Guidelines, 2015. Collection method: clinical testing. Allele origin: germline. Inheritance: Autosomal dominant inheritance.

Ambry Genetics
Classification: Pathogenic for Hereditary cancer-predisposing syndrome. Last evaluated: 2024-07-08. Review status: criteria provided, single submitter. Criteria: Ambry Variant Classification Scheme 2023. Collection method: clinical testing. Allele origin: germline.
Comment: The c.2982dupT pathogenic mutation, located in coding exon 9 of the PALB2 gene, results from a duplication of T at nucleotide position 2982, causing a translational frameshift with a predicted alternate stop codon (p.A995Cfs*16). This alteration has been identified in multiple high-risk breast cancer patients (Rahman N et al. Nat. Genet. 2007 Feb;39:165-7; Teo ZL et al. Breast Cancer Res. 2013 Feb;15:R17; Thompson ER et al. Breast Cancer Res. 2015 Aug;17:111). This alteration was also identified in three high-risk patients undergoing pancreatic cancer screening; these individuals were diagnosed with breast or prostate cancer and had at least one first- or second-degree relative diagnosed with pancreatic cancer (Abe T et al. J. Clin. Oncol. 2019 05;37:1070-1080). In addition to the clinical data presented in the literature, this alteration is expected to result in loss of function by premature protein truncation or nonsense-mediated mRNA decay. As such, this alteration is interpreted as a disease-causing mutation.

Labcorp Genetics (formerly Invitae), Labcorp
Classification: Pathogenic for Familial cancer of breast. Last evaluated: 2024-04-17. Review status: criteria provided, single submitter. Criteria: Invitae Variant Classification Sherloc (09022015). Collection method: clinical testing. Allele origin: germline.
Comment: This sequence change creates a premature translational stop signal (p.Ala995Cysfs*16) in the PALB2 gene. It is expected to result in an absent or disrupted protein product. Loss-of-function variants in PALB2 are known to be pathogenic (PMID: 17200668, 17200671, 17200672, 24136930, 25099575). This variant is not present in population databases (gnomAD no frequency). This premature translational stop signal has been observed in individual(s) with breast cancer (PMID: 17200668, 19264984, 23448497, 26283626, 26534844). ClinVar contains an entry for this variant (Variation ID: 126697). For these reasons, this variant has been classified as Pathogenic.

Baylor Genetics
Classification: Pathogenic for Familial cancer of breast. Last evaluated: 2024-03-15. Review status: criteria provided, single submitter. Criteria: ACMG Guidelines, 2015. Collection method: clinical testing. Allele origin: unknown.

Myriad Genetics, Inc.
Classification: Pathogenic for Familial cancer of breast. Last evaluated: 2023-03-31. Review status: criteria provided, single submitter. Criteria: Myriad Autosomal Dominant, Autosomal Recessive and X-Linked Classification Criteria (2023). Collection method: clinical testing. Allele origin: unknown.
Comment: This variant is considered pathogenic. This variant creates a frameshift predicted to result in premature protein truncation.

GeneDx
Classification: Pathogenic. Last evaluated: 2022-11-29. Review status: criteria provided, single submitter. Criteria: GeneDx Variant Classification Process June 2021. Collection method: clinical testing. Allele origin: germline. Affected: yes.
Comment: Frameshift variant predicted to result in protein truncation or nonsense mediated decay in a gene for which loss of function is a known mechanism of disease; Not observed at significant frequency in large population cohorts (gnomAD); This variant is associated with the following publications: (PMID: 17200668, 19264984, 24206657, 30883245, 23448497, 21165770, 25099575, 26283626, 34113003, 33471991)

Sema4
Classification: Pathogenic for Hereditary cancer-predisposing syndrome. Last evaluated: 2022-01-01. Review status: criteria provided, single submitter. Criteria: Sema4 Curation Guidelines. Collection method: curation. Allele origin: germline.
Comment: The PALB2 c.2982dupT (p.A995CfsX16) variant has been reported in heterozygosity in multiple individuals with breast or prostate cancer (PMID: 33471991, 17200668, 23448497, 26283626, 30883245, 34113003), including three individuals at high-risk for pancreatic cancer based on family history (PMID: 30883245). It is also known as c.2982_2983insT in the literature. This nonsense variant creates a premature stop codon at residue 995 of the PALB2 protein. At this location, nonsense-mediated decay has been shown to occur, resulting in a loss of gene function (PMID: 23448497). Loss of function variants in PALB2 are known to be pathogenic (PMID: 17200668). This variant is not reported in the population database Genome Aggregation Database (PMID: 32461654). This variant has been reported in ClinVar (Variation ID: 126697). Based on the current evidence available, this variant is interpreted as pathogenic.

Blueprint Genetics
Classification: Pathogenic for PALB2-related disorders. Last evaluated: 2020-10-09. Review status: criteria provided, single submitter. Criteria: ACMG Guidelines, 2015. Collection method: clinical testing. Allele origin: germline. Affected: yes. Observed: 1 variant allele.

Cancer Genetics Laboratory, Peter MacCallum Cancer Centre
Classification: Likely pathogenic for Familial cancer of breast. Last evaluated: 2015-06-01. Review status: criteria provided, single submitter. Criteria: Thompson et al. (Breast Cancer Res. 2015). Collection method: case-control. Allele origin: germline. Affected: yes. Observed: 1 variant allele, 1 heterozygote.

Leiden Open Variation Database
Classification: Pathogenic for Familial cancer of breast. Last evaluated: 2019-05-13. Review status: no assertion criteria provided. Collection method: curation. Allele origin: germline. Affected: yes. Not counted in ClinVar's aggregate classification.
Comment: Curators: Marc Tischkowitz, Arleen D. Auerbach. Submitter to LOVD: Marc Tischkowitz.

Counsyl
Classification: Likely pathogenic for Familial cancer of breast. Last evaluated: 2015-12-09. Review status: no assertion criteria provided. Collection method: clinical testing. Allele origin: unknown. Not counted in ClinVar's aggregate classification.

Literature cited by the submitters: PubMed 17200668 (cited by 6 submitters); PubMed 21932393 (cited by Color Diagnostics, LLC DBA Color Health); PubMed 23423317 (cited by Color Diagnostics, LLC DBA Color Health); PubMed 23448497 (cited by 6 submitters); PubMed 25099575 (cited by 4 submitters); PubMed 26283626 (cited by 5 submitters); PubMed 26534844 (cited by Color Diagnostics, LLC DBA Color Health and Labcorp Genetics (formerly Invitae), Labcorp); PubMed 30883245 (cited by 3 submitters); PubMed 33471991 (cited by Color Diagnostics, LLC DBA Color Health and Sema4); PubMed 34113003 (cited by Color Diagnostics, LLC DBA Color Health and Sema4); PubMed 17200671 (cited by Labcorp Genetics (formerly Invitae), Labcorp); PubMed 17200672 (cited by Labcorp Genetics (formerly Invitae), Labcorp); PubMed 24136930 (cited by Labcorp Genetics (formerly Invitae), Labcorp); PubMed 19264984 (cited by Labcorp Genetics (formerly Invitae), Labcorp and Leiden Open Variation Database); PubMed 21165770 (cited by Leiden Open Variation Database); PubMed 24206657 (cited by Leiden Open Variation Database and Counsyl).